The following is an entry in ClinVar:

NM_001042492.3(NF1):c.1467dup (p.Lys490Ter)

Gene: NF1 (neurofibromin 1; plus strand). Cytogenetic location: 17q11.2.
Variant type: Duplication.
Coding change: c.1467dup on transcript NM_001042492.3 (MANE Select); coding-DNA position 1467, one base duplicated (T; older notation c.1467dupT).
Protein change: p.Lys490Ter; replaces lysine 490 with a stop codon.
Molecular consequence: nonsense. On other transcripts: frameshift variant (1).
Genome position (GRCh38, 1-based): chr17:31,214,525, T duplicated. VCF-style (leftmost placement, unchanged base first): chr17-31214524-A-AT. GRCh37 (hg19) VCF-style: chr17-29541542-A-AT.
Other names: c.1467dup, p.Lys490Terfs (NM_000267.4); c.1467dup, p.Lys490Ter (NM_001128147.3); c.1467dupT (NM_000267.3); short protein forms K490*.
Identifiers: ClinVar variation 1704158 (VCV001704158.11), dbSNP rs1455778468, ClinGen allele CA728037832.

ClinVar aggregate classification (germline): Pathogenic. Review status: criteria provided, multiple submitters, no conflicts (2 of 4 stars). 4 submissions from 4 submitters: Pathogenic (4). Last evaluated 2026-08-18.

Conditions:
Neurofibromatosis, type 1 (NF1). Also called: VON RECKLINGHAUSEN DISEASE; Peripheral type neurofibromatosis; NEUROFIBROMATOSIS, TYPE I, SOMATIC; Neurofibromatosis, type I. Identifiers: Orphanet 636, MedGen C0027831, MONDO:0018975, OMIM 162200. Disease mechanism: loss of function.
Cardiovascular phenotype. Identifiers: MedGen CN230736.
Hereditary cancer-predisposing syndrome. Also called: Hereditary neoplastic syndrome; Neoplastic Syndromes, Hereditary; Tumor predisposition; Hereditary Cancer Syndrome. Identifiers: Orphanet 140162, MedGen C0027672, MeSH D009386, MONDO:0015356.

Allele frequency attached by ClinVar (database versions not stated): TOPMed below 0.00001.

Submissions (4):

Myriad Genetics, Inc.
Classification: Pathogenic for Neurofibromatosis, type 1. Last evaluated: 2026-08-18. Review status: criteria provided, single submitter. Criteria: Myriad Autosomal Dominant, Autosomal Recessive and X-Linked Classification Criteria (2023). Collection method: clinical testing. Allele origin: unknown.
Comment: This variant is considered pathogenic. This variant creates a termination codon and is predicted to result in premature protein truncation.

Labcorp Genetics (formerly Invitae), Labcorp
Classification: Pathogenic for Neurofibromatosis, type 1. Last evaluated: 2024-10-23. Review status: criteria provided, single submitter. Criteria: Invitae Variant Classification Sherloc (09022015). Collection method: clinical testing. Allele origin: germline.
Comment: This sequence change creates a premature translational stop signal (p.Lys490*) in the NF1 gene. It is expected to result in an absent or disrupted protein product. Loss-of-function variants in NF1 are known to be pathogenic (PMID: 10712197, 23913538). This variant is not present in population databases (gnomAD no frequency). This premature translational stop signal has been observed in individual(s) with neurofibromatosis type 1 (PMID: 26740943). ClinVar contains an entry for this variant (Variation ID: 1704158). For these reasons, this variant has been classified as Pathogenic.

GeneDx
Classification: Pathogenic. Last evaluated: 2024-10-20. Review status: criteria provided, single submitter. Criteria: GeneDx Variant Classification Process June 2021. Collection method: clinical testing. Allele origin: germline. Affected: yes.
Comment: Nonsense variant predicted to result in protein truncation or nonsense mediated decay in a gene for which loss of function is a known mechanism of disease; Not observed at significant frequency in large population cohorts (gnomAD); This variant is associated with the following publications: (PMID: 26740943)

Ambry Genetics
Classification: Pathogenic for Cardiovascular phenotype; Hereditary cancer-predisposing syndrome. Last evaluated: 2018-08-22. Review status: criteria provided, single submitter. Criteria: Ambry Variant Classification Scheme 2023. Collection method: clinical testing. Allele origin: germline.
Comment: The c.1467dupT pathogenic mutation, located in coding exon 13 of the NF1 gene, results from a duplication of T at nucleotide position 1467. This changes the amino acid from a lysine to a stop codon within coding exon 13 (p.K490*). This alteration was detected in an individual with features of Neurofibromatosis type 1 (NF1); however, specific clinical info was not provided (Bianchessi D et al. Mol Genet Genomic Med, 2015 Nov;3:513-25). In addition to the clinical data presented in the literature, this alteration is expected to result in loss of function by premature protein truncation or nonsense-mediated mRNA decay. As such, this alteration is interpreted as a disease-causing mutation.

Literature cited by the submitters: PubMed 10712197 (cited by Labcorp Genetics (formerly Invitae), Labcorp); PubMed 23913538 (cited by Labcorp Genetics (formerly Invitae), Labcorp); PubMed 26740943 (cited by Labcorp Genetics (formerly Invitae), Labcorp).